The following is an entry in ClinVar:

NM_000135.4(FANCA):c.2147A>G (p.His716Arg)

Gene: FANCA (FA complementation group A; minus strand). Cytogenetic location: 16q24.3.
Variant type: single nucleotide variant.
Coding change: c.2147A>G on transcript NM_000135.4 (MANE Select); coding-DNA position 2147, A replaced by G.
Protein change: p.His716Arg; replaces histidine 716 with arginine.
Molecular consequence: missense variant.
Genome position (GRCh38, 1-based): chr16:89,771,682, T>C on the plus strand (A>G on the coding strand, the complement: FANCA is on the minus strand). VCF-style: chr16-89771682-T-C. GRCh37 (hg19) VCF-style: chr16-89838090-T-C.
Other names: c.2147A>G, p.His716Arg (NM_001286167.3); short protein forms H716R.
Identifiers: ClinVar variation 970614 (VCV000970614.8), dbSNP rs751474452, ClinGen allele CA8251892.

ClinVar aggregate classification (germline): Uncertain significance. Review status: criteria provided, multiple submitters, no conflicts (2 of 4 stars). 4 submissions from 4 submitters: Uncertain significance (3). 1 of the submissions does not count toward it. Last evaluated 2024-11-26.

Conditions:
Inborn genetic diseases. Identifiers: MedGen C0950123, MeSH D030342.
Fanconi anemia (FA). Also called: Fanconi's anemia. Identifiers: Orphanet 84, MedGen C0015625, MeSH D005199, MONDO:0019391.
Fanconi anemia complementation group A (FANCA). Also called: FANCA-Related Fanconi Anemia; Fanconi anemia, group A. Identifiers: Orphanet 84, MedGen C3469521, MONDO:0009215, OMIM 227650.

Allele frequency attached by ClinVar (database versions not stated): gnomAD 0.00001; ExAC 0.00002; gnomAD exomes 0.00002; TOPMed 0.00002.
gnomAD v4.1: 29 of 1,614,046 alleles (0.0018%); highest among the groups gnomAD compares: Non-Finnish European, 0.00068%; no homozygotes.

Submissions (4):

Ambry Genetics
Classification: Uncertain significance for Inborn genetic diseases. Last evaluated: 2024-11-26. Review status: criteria provided, single submitter. Criteria: Ambry Variant Classification Scheme 2023. Collection method: clinical testing. Allele origin: germline.
Comment: The p.H716R variant (also known as c.2147A>G), located in coding exon 23 of the FANCA gene, results from an A to G substitution at nucleotide position 2147. The histidine at codon 716 is replaced by arginine, an amino acid with highly similar properties. This amino acid position is conserved. In addition, this alteration is predicted to be tolerated by in silico analysis. Based on the available evidence, the clinical significance of this variant remains unclear.

Labcorp Genetics (formerly Invitae), Labcorp
Classification: Uncertain significance for Fanconi anemia. Last evaluated: 2022-05-28. Review status: criteria provided, single submitter. Criteria: Invitae Variant Classification Sherloc (09022015). Collection method: clinical testing. Allele origin: germline.
Comment: This sequence change replaces histidine, which is basic and polar, with arginine, which is basic and polar, at codon 716 of the FANCA protein (p.His716Arg). This variant is present in population databases (rs751474452, gnomAD 0.04%). This variant has not been reported in the literature in individuals affected with FANCA-related conditions. ClinVar contains an entry for this variant (Variation ID: 970614). Advanced modeling of protein sequence and biophysical properties (such as structural, functional, and spatial information, amino acid conservation, physicochemical variation, residue mobility, and thermodynamic stability) performed at Invitae indicates that this missense variant is not expected to disrupt FANCA protein function. In summary, the available evidence is currently insufficient to determine the role of this variant in disease. Therefore, it has been classified as a Variant of Uncertain Significance.

Fulgent Genetics
Classification: Uncertain significance for Fanconi anemia complementation group A. Last evaluated: 2021-08-12. Review status: criteria provided, single submitter. Criteria: ACMG Guidelines, 2015. Collection method: clinical testing. Allele origin: unknown.

Natera, Inc.
Classification: Uncertain significance for Fanconi anemia. Last evaluated: 2020-05-04. Review status: no assertion criteria provided. Collection method: clinical testing. Allele origin: germline. Not counted in ClinVar's aggregate classification.